The following is an entry in ClinVar:

ClinVar aggregate classification (germline): Uncertain significance (1 of 4 stars; one submission).

Conditions:
Inborn genetic diseases. Identifiers: MedGen C0950123, MeSH D030342.

Submission:

Ambry Genetics
Classification: Uncertain significance for Inborn genetic diseases. Last evaluated: 2026-08-15. Review status: criteria provided, single submitter. Criteria: Ambry Variant Classification Scheme 2023. Collection method: clinical testing. Allele origin: germline.
Comment: The p.R185T variant (also known as c.554G>C), located in coding exon 3 of the ERCC6L2 gene, results from a G to C substitution at nucleotide position 554. The arginine at codon 185 is replaced by threonine, an amino acid with similar properties. This amino acid position is conserved. In addition, the in silico prediction for this alteration is inconclusive. Based on the available evidence, the clinical significance of this variant remains unclear.

NM_020207.7(ERCC6L2):c.554G>C (p.Arg185Thr)

Gene: ERCC6L2 (ERCC excision repair 6 like 2; plus strand). Cytogenetic location: 9q22.32.
Variant type: single nucleotide variant.
Coding change: c.554G>C on transcript NM_020207.7 (MANE Select); coding-DNA position 554, G replaced by C.
Protein change: p.Arg185Thr; replaces arginine 185 with threonine.
Molecular consequence: missense variant. On other transcripts: non-coding transcript variant (1).
Genome position (GRCh38, 1-based): chr9:95,897,931, G>C. VCF-style: chr9-95897931-G-C. GRCh37 (hg19) VCF-style: chr9-98660213-G-C.
Other names: c.554G>C, p.Arg185Thr (NM_001010895.4, NM_001375291.1, NM_001375292.1 and 2 more transcripts); short protein forms R185T.
Identifiers: ClinVar variation 5036103 (VCV005036103.1).